The following is an entry in ClinVar:

NM_001042750.2(STAG2):c.1378C>T (p.Leu460Phe)

Gene: STAG2 (STAG2 cohesin complex component; plus strand). Cytogenetic location: Xq25.
Variant type: single nucleotide variant.
Coding change: c.1378C>T on transcript NM_001042750.2 (MANE Select); coding-DNA position 1378, C replaced by T.
Protein change: p.Leu460Phe; replaces leucine 460 with phenylalanine.
Molecular consequence: missense variant.
Genome position (GRCh38, 1-based): chrX:124,057,939, C>T. VCF-style: chrX-124057939-C-T. GRCh37 (hg19) VCF-style: chrX-123191789-C-T.
Other names: c.1378C>T, p.Leu460Phe (NM_001042749.2, NM_001042751.2, NM_001282418.2 and 23 more transcripts); short protein forms L460F.
Identifiers: ClinVar variation 4527553 (VCV004527553.1).

ClinVar aggregate classification (germline): Uncertain significance (1 of 4 stars; one submission).

Submission:

GeneDx
Classification: Uncertain significance. Last evaluated: 2025-04-22. Review status: criteria provided, single submitter. Criteria: GeneDx Variant Classification Process June 2021. Collection method: clinical testing. Allele origin: germline. Affected: yes.
Comment: Not observed at significant frequency in large population cohorts (gnomAD); In silico analysis indicates that this missense variant does not alter protein structure/function; Has not been previously published as pathogenic or benign to our knowledge